The following is an entry in ClinVar:

NM_001330574.2(ZNF711):c.1574A>G (p.Lys525Arg)

Gene: ZNF711 (zinc finger protein 711; plus strand). Cytogenetic location: Xq21.1.
Variant type: single nucleotide variant.
Coding change: c.1574A>G on transcript NM_001330574.2 (MANE Select); coding-DNA position 1574, A replaced by G.
Protein change: p.Lys525Arg; replaces lysine 525 with arginine.
Molecular consequence: missense variant.
Genome position (GRCh38, 1-based): chrX:85,270,978, A>G. VCF-style: chrX-85270978-A-G. GRCh37 (hg19) VCF-style: chrX-84525984-A-G.
Other names: c.1574A>G, p.Lys525Arg (NM_001375431.1, NM_001375432.1, NM_001375433.1); c.1436A>G, p.Lys479Arg (NM_001375434.1, NM_001375435.1, NM_001375436.1 and 2 more transcripts); short protein forms K479R, K525R.
Identifiers: ClinVar variation 3903327 (VCV003903327.1).
Genomic context (GRCh38, chrX:85,270,978, plus strand): 5'-GTCCACTGAGTTCCAATAAACTTATTTTAAGAGACAAGGAGCCGAAGATGCACAAGTGCA[A>G]ATACTGTGACTATGAAACTGCAGAACAAGGACTGTTAAACAGGCATTTGTTGGCCGTTCA-3'
Protein context (NP_001317503.1, residues 515-535): RDKEPKMHKC[Lys525Arg]YCDYETAEQG

ClinVar aggregate classification (germline): Uncertain significance (1 of 4 stars; one submission).

Submission:

GeneDx
Classification: Uncertain significance. Last evaluated: 2024-12-06. Review status: criteria provided, single submitter. Criteria: GeneDx Variant Classification Process June 2021. Collection method: clinical testing. Allele origin: germline. Affected: yes.
Comment: Not observed at significant frequency in large population cohorts (gnomAD); In silico analysis indicates that this missense variant does not alter protein structure/function; Has not been previously published as pathogenic or benign to our knowledge